The following is an entry in ClinVar:

NM_005051.3(QARS1):c.1430A>G (p.Tyr477Cys)

Gene: QARS1 (glutaminyl-tRNA synthetase 1; minus strand). Cytogenetic location: 3p21.31.
Variant type: single nucleotide variant.
Coding change: c.1430A>G on transcript NM_005051.3 (MANE Select); coding-DNA position 1430, A replaced by G.
Protein change: p.Tyr477Cys; replaces tyrosine 477 with cysteine.
Molecular consequence: missense variant. On other transcripts: non-coding transcript variant (1).
Genome position (GRCh38, 1-based): chr3:49,099,606, T>C on the plus strand (A>G on the coding strand, the complement: QARS1 is on the minus strand). VCF-style: chr3-49099606-T-C. GRCh37 (hg19) VCF-style: chr3-49137039-T-C.
Other names: c.1397A>G, p.Tyr466Cys (NM_001272073.2); short protein forms Y477C, Y466C.
Identifiers: ClinVar variation 598953 (VCV000598953.14), dbSNP rs1172486173, ClinGen allele CA352706571.

ClinVar aggregate classification (germline): Conflicting classifications of pathogenicity. Review status: criteria provided, conflicting classifications (1 of 4 stars). 2 submissions from 2 submitters: Likely pathogenic (1); Uncertain significance (1). Last evaluated 2024-08-12.

Conditions:
Diffuse cerebral and cerebellar atrophy - intractable seizures - progressive microcephaly syndrome. Also called: Microcephaly, progressive, with seizures and cerebral and cerebellar atrophy. Identifiers: Orphanet 404437, MedGen C4014239, MONDO:0014335, OMIM 615760.

Allele frequency attached by ClinVar (database versions not stated): gnomAD exomes below 0.00001.
gnomAD v4.1: 7 of 1,614,064 alleles (0.00043%); highest among the groups gnomAD compares: South Asian, 0.0022%; no homozygotes.

Submissions (2):

Labcorp Genetics (formerly Invitae), Labcorp
Classification: Uncertain significance for Diffuse cerebral and cerebellar atrophy - intractable seizures - progressive microcephaly syndrome. Last evaluated: 2024-08-12. Review status: criteria provided, single submitter. Criteria: Invitae Variant Classification Sherloc (09022015). Collection method: clinical testing. Allele origin: germline.
Comment: This sequence change replaces tyrosine, which is neutral and polar, with cysteine, which is neutral and slightly polar, at codon 477 of the QARS protein (p.Tyr477Cys). This variant is present in population databases (no rsID available, gnomAD 0.006%). This missense change has been observed in individual(s) with progressive microcephaly with seizures and cerebral and cerebellar atrophy (PMID: 30755392). ClinVar contains an entry for this variant (Variation ID: 598953). Advanced modeling of protein sequence and biophysical properties (such as structural, functional, and spatial information, amino acid conservation, physicochemical variation, residue mobility, and thermodynamic stability) has been performed at Invitae for this missense variant, however the output from this modeling did not meet the statistical confidence thresholds required to predict the impact of this variant on QARS protein function. In summary, the available evidence is currently insufficient to determine the role of this variant in disease. Therefore, it has been classified as a Variant of Uncertain Significance.

Center for Personalized Medicine, Children's Hospital Los Angeles
Classification: Likely pathogenic. Last evaluated: 2018-11-19. Review status: criteria provided, single submitter. Criteria: ACMG Guidelines, 2015. Collection method: clinical testing. Allele origin: germline. Affected: yes.

Literature cited by the submitters: PubMed 30755392 (cited by Labcorp Genetics (formerly Invitae), Labcorp).